The following is an entry in ClinVar:

ClinVar aggregate classification (germline): Likely benign (1 of 4 stars; one submission).

gnomAD v4.1: 65 of 1,614,092 alleles (0.004%); highest among the groups gnomAD compares: Middle Eastern, 0.016%; no homozygotes.

Submission:

CeGaT Center for Human Genetics Tuebingen
Classification: Likely benign. Last evaluated: 2025-02-01. Review status: criteria provided, single submitter. Criteria: CeGaT Center For Human Genetics Tuebingen Variant Classification Criteria Version 2. Collection method: clinical testing. Allele origin: germline. Affected: yes. Observed: 1 variant allele.
Comment: TOGARAM1: BP4, BP7

NM_001308120.2(TOGARAM1):c.5193A>G (p.Thr1731=)

Gene: TOGARAM1 (TOG array regulator of axonemal microtubules 1; plus strand). Cytogenetic location: 14q21.2.
Variant type: single nucleotide variant.
Coding change: c.5193A>G on transcript NM_001308120.2 (MANE Select); coding-DNA position 5193, A replaced by G.
Protein change: p.Thr1731=; no amino-acid change (threonine 1731 retained).
Molecular consequence: synonymous variant. On other transcripts: non-coding transcript variant (1).
Genome position (GRCh38, 1-based): chr14:45,073,432, A>G. VCF-style: chr14-45073432-A-G. GRCh37 (hg19) VCF-style: chr14-45542635-A-G.
Other names: c.5034A>G, p.Thr1678= (NM_015091.4).
Identifiers: ClinVar variation 3771100 (VCV003771100.13).